The following is an entry in ClinVar:

ClinVar aggregate classification (germline): Pathogenic (1 of 4 stars; one submission).

Conditions:
Carnitine palmitoyl transferase 1A deficiency. Also called: CPT deficiency, hepatic, type IA; CPT I DEFICIENCY; CPT DEFICIENCY, HEPATIC, TYPE I; Carnitine palmitoyltransferase 1A deficiency; Carnitine palmitoyltransferase type I deficiency. Identifiers: Orphanet 156, MedGen C1829703, MONDO:0009705, OMIM 255120.

Submission:

Labcorp Genetics (formerly Invitae), Labcorp
Classification: Pathogenic for Carnitine palmitoyl transferase 1A deficiency. Last evaluated: 2023-09-27. Review status: criteria provided, single submitter. Criteria: Invitae Variant Classification Sherloc (09022015). Collection method: clinical testing. Allele origin: germline.
Comment: For these reasons, this variant has been classified as Pathogenic. ClinVar contains an entry for this variant (Variation ID: 1073716). This variant has not been reported in the literature in individuals affected with CPT1A-related conditions. This variant is not present in population databases (gnomAD no frequency). This sequence change creates a premature translational stop signal (p.Leu632*) in the CPT1A gene. It is expected to result in an absent or disrupted protein product. Loss-of-function variants in CPT1A are known to be pathogenic (PMID: 16169268).

Literature cited by the submitters: PubMed 16169268.

NM_001876.4(CPT1A):c.1895T>A (p.Leu632Ter)

Gene: CPT1A (carnitine palmitoyltransferase 1A; minus strand). Cytogenetic location: 11q13.3.
Variant type: single nucleotide variant.
Coding change: c.1895T>A on transcript NM_001876.4 (MANE Select); coding-DNA position 1895, T replaced by A.
Protein change: p.Leu632Ter; replaces leucine 632 with a stop codon.
Molecular consequence: nonsense.
Genome position (GRCh38, 1-based): chr11:68,761,668, A>T on the plus strand (T>A on the coding strand, the complement: CPT1A is on the minus strand). VCF-style: chr11-68761668-A-T. GRCh37 (hg19) VCF-style: chr11-68529136-A-T.
Other names: c.1895T>A, p.Leu632Ter (NM_001031847.3); short protein forms L632*.
Identifiers: ClinVar variation 1073716 (VCV001073716.7), dbSNP rs2153995016, ClinGen allele CA381626823.